The following is an entry in ClinVar:

NM_182914.3(SYNE2):c.10248G>A (p.Glu3416=)

Gene: SYNE2 (spectrin repeat containing nuclear envelope protein 2; plus strand). Cytogenetic location: 14q23.2.
Variant type: single nucleotide variant.
Coding change: c.10248G>A on transcript NM_182914.3 (MANE Select); coding-DNA position 10248, G replaced by A.
Protein change: p.Glu3416=; no amino-acid change (glutamic acid 3416 retained).
Molecular consequence: synonymous variant.
Genome position (GRCh38, 1-based): chr14:64,065,467, G>A. VCF-style: chr14-64065467-G-A. GRCh37 (hg19) VCF-style: chr14-64532185-G-A.
Other names: c.10248G>A, p.Glu3416= (NM_015180.6).
Identifiers: ClinVar variation 2644289 (VCV002644289.24), dbSNP rs371576949, ClinGen allele CA7221469.

ClinVar aggregate classification (germline): Likely benign (1 of 4 stars; one submission).

Allele frequency attached by ClinVar (database versions not stated): ExAC 0.00002; gnomAD 0.00003; gnomAD exomes 0.00005; ESP Exome Variant Server 0.00008.
gnomAD v4.1: 77 of 1,614,022 alleles (0.0048%); highest among the groups gnomAD compares: Non-Finnish European, 0.0058%; no homozygotes.

Submission:

CeGaT Center for Human Genetics Tuebingen
Classification: Likely benign. Last evaluated: 2022-07-01. Review status: criteria provided, single submitter. Criteria: CeGaT Center For Human Genetics Tuebingen Variant Classification Criteria Version 2. Collection method: clinical testing. Allele origin: germline. Affected: yes. Observed: 1 variant allele.
Comment: SYNE2: BP4, BP7